The following is an entry in ClinVar:

NM_018094.5(GSPT2):c.277T>G (p.Cys93Gly)

Gene: GSPT2 (G1 to S phase transition 2; plus strand). Cytogenetic location: Xp11.22.
Variant type: single nucleotide variant.
Coding change: c.277T>G on transcript NM_018094.5 (MANE Select); coding-DNA position 277, T replaced by G.
Protein change: p.Cys93Gly; replaces cysteine 93 with glycine.
Molecular consequence: missense variant.
Genome position (GRCh38, 1-based): chrX:51,743,903, T>G. VCF-style: chrX-51743903-T-G. GRCh37 (hg19) VCF-style: chrX-51486999-T-G.
Other names: short protein forms C93G.
Identifiers: ClinVar variation 4891069 (VCV004891069.1).

ClinVar aggregate classification (germline): Uncertain significance (1 of 4 stars; one submission).

gnomAD v4.1: 1 of 1,204,936 alleles (0.000083%); highest among the groups gnomAD compares: Admixed American, 0.0022%; no homozygotes.

Submission:

Greenwood Genetic Center Diagnostic Laboratories, Greenwood Genetic Center
Classification: Uncertain significance. Last evaluated: 2026-05-12. Review status: criteria provided, single submitter. Criteria: ACMG Guidelines, 2015. Collection method: clinical testing. Allele origin: germline.
Comment: Gene of Uncertain Significance